The following is an entry in ClinVar:

ClinVar aggregate classification (germline): Uncertain significance. Review status: criteria provided, multiple submitters, no conflicts (2 of 4 stars). 3 submissions from 3 submitters: Uncertain significance (3). Last evaluated 2025-03-20.

Conditions:
Inborn genetic diseases. Identifiers: MedGen C0950123, MeSH D030342.
Werner syndrome (WRN). Identifiers: Orphanet 902, MedGen C0043119, MONDO:0010196, OMIM 277700.

Allele frequency attached by ClinVar (database versions not stated): TOPMed 0.00006; gnomAD 0.00011 and 0.00015; ExAC 0.00015; gnomAD exomes 0.00015.
gnomAD v4.1: 147 of 1,613,966 alleles (0.0091%); highest among the groups gnomAD compares: South Asian, 0.11%; 1 homozygote.

Submissions (3):

Ambry Genetics
Classification: Uncertain significance for Inborn genetic diseases. Last evaluated: 2025-03-20. Review status: criteria provided, single submitter. Criteria: Ambry Variant Classification Scheme 2023. Collection method: clinical testing. Allele origin: germline.

Labcorp Genetics (formerly Invitae), Labcorp
Classification: Uncertain significance for Werner syndrome. Last evaluated: 2024-12-17. Review status: criteria provided, single submitter. Criteria: Invitae Variant Classification Sherloc (09022015). Collection method: clinical testing. Allele origin: germline.
Comment: This sequence change replaces histidine, which is basic and polar, with arginine, which is basic and polar, at codon 183 of the WRN protein (p.His183Arg). This variant is present in population databases (rs746210769, gnomAD 0.09%). This variant has not been reported in the literature in individuals affected with WRN-related conditions. ClinVar contains an entry for this variant (Variation ID: 458489). An algorithm developed to predict the effect of missense changes on protein structure and function (PolyPhen-2) suggests that this variant is likely to be disruptive. In summary, the available evidence is currently insufficient to determine the role of this variant in disease. Therefore, it has been classified as a Variant of Uncertain Significance.

Blueprint Genetics
Classification: Uncertain significance. Last evaluated: 2024-09-04. Review status: criteria provided, single submitter. Criteria: ACMG Guidelines, 2015. Collection method: clinical testing. Allele origin: germline.

NM_000553.6(WRN):c.548A>G (p.His183Arg)

Gene: WRN (WRN RecQ like helicase; plus strand). Cytogenetic location: 8p12.
Variant type: single nucleotide variant.
Coding change: c.548A>G on transcript NM_000553.6 (MANE Select); coding-DNA position 548, A replaced by G.
Protein change: p.His183Arg; replaces histidine 183 with arginine.
Molecular consequence: missense variant.
Genome position (GRCh38, 1-based): chr8:31,067,076, A>G. VCF-style: chr8-31067076-A-G. GRCh37 (hg19) VCF-style: chr8-30924592-A-G.
Other names: short protein forms H183R.
Identifiers: ClinVar variation 458489 (VCV000458489.10), dbSNP rs746210769, ClinGen allele CA4704101.